The following is an entry in ClinVar:

NM_000059.4(BRCA2):c.4980_4981dup (p.Tyr1661fs)

Gene: BRCA2 (BRCA2 DNA repair associated; plus strand). Cytogenetic location: 13q13.1.
Variant type: Duplication.
Coding change: c.4980_4981dup on transcript NM_000059.4 (MANE Select); coding-DNA positions 4980 to 4981, 2 bases duplicated (TT; older notation c.4980_4981dupTT).
Protein change: p.Tyr1661fs; shifts the reading frame from tyrosine 1661.
Molecular consequence: frameshift variant.
Genome position (GRCh38, 1-based): chr13:32,339,335-32,339,336, TT duplicated. VCF-style (leftmost placement, unchanged base first): chr13-32339334-C-CTT. GRCh37 (hg19) VCF-style: chr13-32913471-C-CTT.
Other names: c.4980_4981dupTT (NM_000059.3); short protein forms Y1661fs.
Identifiers: ClinVar variation 649469 (VCV000649469.7), dbSNP rs886040558, ClinGen allele CA915948478.

ClinVar aggregate classification (germline): Pathogenic (1 of 4 stars; one submission).

Conditions:
Hereditary breast ovarian cancer syndrome. Also called: Breast and ovarian cancer; BRCA1- and BRCA2-Associated Hereditary Breast and Ovarian Cancer; Hereditary breast and ovarian cancer; Hereditary breast and ovarian cancer syndrome (HBOC); Hereditary breast and/or ovarian cancer syndrome; Hereditary breast and ovarian cancer syndrome. Identifiers: Orphanet 145, MedGen C0677776, MeSH D061325, MONDO:0003582. Disease mechanism: loss of function.

Submission:

Labcorp Genetics (formerly Invitae), Labcorp
Classification: Pathogenic for Hereditary breast ovarian cancer syndrome. Last evaluated: 2018-12-01. Review status: criteria provided, single submitter. Criteria: Invitae Variant Classification Sherloc (09022015). Collection method: clinical testing. Allele origin: germline.
Comment: For these reasons, this variant has been classified as Pathogenic. Loss-of-function variants in BRCA2 are known to be pathogenic (PMID: 20104584). This variant has not been reported in the literature in individuals with BRCA2-related conditions. This variant is not present in population databases (ExAC no frequency). This sequence change creates a premature translational stop signal (p.Tyr1661Phefs*10) in the BRCA2 gene. It is expected to result in an absent or disrupted protein product.

Literature cited by the submitters: PubMed 20104584.